The following is an entry in ClinVar:

ClinVar aggregate classification (germline): Uncertain significance (1 of 4 stars; one submission).

Submission:

CeGaT Center for Human Genetics Tuebingen
Classification: Uncertain significance. Last evaluated: 2024-07-01. Review status: criteria provided, single submitter. Criteria: CeGaT Center For Human Genetics Tuebingen Variant Classification Criteria Version 2. Collection method: clinical testing. Allele origin: germline. Affected: yes. Observed: 2 variant alleles.
Comment: GLUD1: PM2, PP2, PP3

NM_005271.5(GLUD1):c.161G>A (p.Ser54Asn)

Genes: GLUD1 (glutamate dehydrogenase 1; minus strand), SHLD2 (shieldin complex subunit 2; plus strand). Cytogenetic location: 10q23.2.
Variant type: single nucleotide variant.
Coding change: c.161G>A on transcript NM_005271.5 (MANE Select); coding-DNA position 161, G replaced by A.
Protein change: p.Ser54Asn; replaces serine 54 with asparagine.
Molecular consequence: missense variant. On other transcripts: 5 prime UTR variant (3).
Genome position (GRCh38, 1-based): chr10:87,094,609, C>T on the plus strand (G>A on the coding strand, the complement: GLUD1 is on the minus strand). VCF-style: chr10-87094609-C-T. GRCh37 (hg19) VCF-style: chr10-88854366-C-T.
Other names: c.-568G>A (NM_001318904.2); c.-694G>A (NM_001318905.2); c.-401G>A (NM_001318906.2); short protein forms S54N.
Identifiers: ClinVar variation 3250641 (VCV003250641.18), dbSNP rs2539927180.